The following is an entry in ClinVar:

NM_001348716.2(KDM6B):c.4357C>T (p.Arg1453Cys)

Genes: KDM6B (lysine demethylase 6B; plus strand), LOC121587574 (Sharpr-MPRA regulatory region 3930; plus strand). Cytogenetic location: 17p13.1.
Variant type: single nucleotide variant.
Coding change: c.4357C>T on transcript NM_001348716.2 (MANE Select); coding-DNA position 4357, C replaced by T.
Protein change: p.Arg1453Cys; replaces arginine 1453 with cysteine.
Molecular consequence: missense variant.
Genome position (GRCh38, 1-based): chr17:7,852,225, C>T. VCF-style: chr17-7852225-C-T. GRCh37 (hg19) VCF-style: chr17-7755543-C-T.
Other names: c.4357C>T, p.Arg1453Cys (NM_001080424.2); short protein forms R1453C.
Identifiers: ClinVar variation 4858778 (VCV004858778.1).

ClinVar aggregate classification (germline): Likely pathogenic (1 of 4 stars; one submission).

Conditions:
Inborn genetic diseases. Identifiers: MedGen C0950123, MeSH D030342.

Submission:

Ambry Genetics
Classification: Likely pathogenic for Inborn genetic diseases. Last evaluated: 2026-04-23. Review status: criteria provided, single submitter. Criteria: Ambry Variant Classification Scheme 2023. Collection method: clinical testing. Allele origin: germline.
Comment: The c.4357C>T (p.R1453C) alteration is located in exon 19 (coding exon 16) of the KDM6B gene. This alteration results from a C to T substitution at nucleotide position 4357, causing the arginine (R) at amino acid position 1453 to be replaced by a cysteine (C). This variant was not reported in population-based cohorts in the Genome Aggregation Database (gnomAD). This variant was determined to be de novo in at least one individual with features consistent with KDM6B-related neurodevelopmental disorder (von Brauchitsch, 2023). This amino acid position is highly conserved in available vertebrate species. This alteration is predicted to be deleterious by in silico analysis. Based on the available evidence, this alteration is classified as likely pathogenic.

Literature cited by the submitters: PubMed 36896643.